The following is an entry in ClinVar:

ClinVar aggregate classification (germline): Uncertain significance (1 of 4 stars; one submission).

Conditions:
Congenital disorder of deglycosylation (CDDG). Identifiers: MedGen C3808991, MONDO:0031376.

gnomAD v4.1: 8 of 1,573,266 alleles (0.00051%); highest among the groups gnomAD compares: Admixed American, 0.0019%; no homozygotes.

Submission:

Labcorp Genetics (formerly Invitae), Labcorp
Classification: Uncertain significance for Congenital disorder of deglycosylation. Last evaluated: 2023-05-22. Review status: criteria provided, single submitter. Criteria: Invitae Variant Classification Sherloc (09022015). Collection method: clinical testing. Allele origin: germline.
Comment: This sequence change replaces serine, which is neutral and polar, with tyrosine, which is neutral and polar, at codon 14 of the NGLY1 protein (p.Ser14Tyr). In summary, the available evidence is currently insufficient to determine the role of this variant in disease. Therefore, it has been classified as a Variant of Uncertain Significance. Experimental studies and prediction algorithms are not available or were not evaluated, and the functional significance of this variant is currently unknown. ClinVar contains an entry for this variant (Variation ID: 1483590). This variant has not been reported in the literature in individuals affected with NGLY1-related conditions. This variant is present in population databases (no rsID available, gnomAD 0.004%).

NM_018297.4(NGLY1):c.41C>A (p.Ser14Tyr)

Gene: NGLY1 (N-glycanase 1; minus strand). Cytogenetic location: 3p24.2.
Variant type: single nucleotide variant.
Coding change: c.41C>A on transcript NM_018297.4 (MANE Select); coding-DNA position 41, C replaced by A.
Protein change: p.Ser14Tyr; replaces serine 14 with tyrosine.
Molecular consequence: missense variant. On other transcripts: intron variant (1).
Genome position (GRCh38, 1-based): chr3:25,783,350, G>T on the plus strand (C>A on the coding strand, the complement: NGLY1 is on the minus strand). VCF-style: chr3-25783350-G-T. GRCh37 (hg19) VCF-style: chr3-25824841-G-T.
Other names: c.41C>A, p.Ser14Tyr (NM_001145293.2, NM_001145295.2); c.6-4662C>A (NM_001145294.2); short protein forms S14Y.
Identifiers: ClinVar variation 1483590 (VCV001483590.8), dbSNP rs767547861, ClinGen allele CA351911361.
Genomic context (GRCh38, chr3:25,783,350, plus strand): 5'-AGCTTGGAGGCCTCCAAAAAGGTCTCCGGGGTGTTCTGGCAGAGCTCAGCCACGGCCGGG[G>T]ACGCCGAGCCTGAGGAGCTGCCCAATGCCGCCGCCGCCATGCTTGAGCGCCAGCGGGCGC-3'
Protein context (NP_060767.2, residues 4-24): AALGSSSGSA[Ser14Tyr]PAVAELCQNT